The following is an entry in ClinVar:

ClinVar aggregate classification (germline): Uncertain significance (1 of 4 stars; one submission).

Conditions:
Progressive familial intrahepatic cholestasis type 2. Identifiers: Orphanet 79304, MedGen C3489789, MONDO:0011156, OMIM 601847.

gnomAD v4.1: 1 of 1,613,960 alleles (0.000062%); highest among the groups gnomAD compares: Non-Finnish European, 0.000085%; no homozygotes.

Submission:

3billion
Classification: Uncertain significance for Progressive familial intrahepatic cholestasis type 2. Last evaluated: 2026-01-15. Review status: criteria provided, single submitter. Criteria: ACMG Guidelines, 2015. Collection method: clinical testing. Allele origin: germline. Affected: yes.
Comment: The variant is observed at an extremely low frequency in the gnomAD v4.1.0 dataset (total allele frequency: <0.001%). Predicted Consequence/Location: Missense variant In silico tool predictions suggest damaging effect of the variant on gene or gene product [3Cnet: 0.99 (> 0.75, sensitivity 0.96 and precision 0.92)]. Therefore, this variant is classified as VUS according to the recommendation of ACMG/AMP guideline.

NM_003742.4(ABCB11):c.3002G>C (p.Arg1001Thr)

Gene: ABCB11 (ATP binding cassette subfamily B member 11; minus strand). Cytogenetic location: 2q31.1.
Variant type: single nucleotide variant.
Coding change: c.3002G>C on transcript NM_003742.4 (MANE Select); coding-DNA position 3002, G replaced by C.
Protein change: p.Arg1001Thr; replaces arginine 1001 with threonine.
Molecular consequence: missense variant.
Genome position (GRCh38, 1-based): chr2:168,935,238, C>G on the plus strand (G>C on the coding strand, the complement: ABCB11 is on the minus strand). VCF-style: chr2-168935238-C-G. GRCh37 (hg19) VCF-style: chr2-169791748-C-G.
Other names: short protein forms R1001T.
Identifiers: ClinVar variation 4854307 (VCV004854307.1).